The following is an entry in ClinVar:

ClinVar aggregate classification (germline): Uncertain significance (1 of 4 stars; one submission).

Allele frequency attached by ClinVar (database versions not stated): ExAC 0.00001; gnomAD 0.00001.

Submission:

Labcorp Genetics (formerly Invitae), Labcorp
Classification: Uncertain significance. Last evaluated: 2023-05-20. Review status: criteria provided, single submitter. Criteria: Invitae Variant Classification Sherloc (09022015). Collection method: clinical testing. Allele origin: germline.
Comment: This sequence change affects codon 726 of the MICAL1 mRNA. It is a 'silent' change, meaning that it does not change the encoded amino acid sequence of the MICAL1 protein. This variant is present in population databases (rs779158006, gnomAD 0.0009%). This variant has not been reported in the literature in individuals affected with MICAL1-related conditions. Algorithms developed to predict the effect of sequence changes on RNA splicing suggest that this variant may create or strengthen a splice site. In summary, the available evidence is currently insufficient to determine the role of this variant in disease. Therefore, it has been classified as a Variant of Uncertain Significance.

NM_022765.4(MICAL1):c.2121G>A (p.Leu707=)

Gene: MICAL1 (microtubule associated monooxygenase, calponin and LIM domain containing 1; minus strand). Cytogenetic location: 6q21.
Variant type: single nucleotide variant.
Coding change: c.2121G>A on transcript NM_022765.4 (MANE Select); coding-DNA position 2121, G replaced by A.
Protein change: p.Leu707=; no amino-acid change (leucine 707 retained).
Molecular consequence: synonymous variant.
Genome position (GRCh38, 1-based): chr6:109,447,179, C>T on the plus strand (G>A on the coding strand, the complement: MICAL1 is on the minus strand). VCF-style: chr6-109447179-C-T. GRCh37 (hg19) VCF-style: chr6-109768382-C-T.
Other names: c.1863G>A, p.Leu621= (NM_001159291.2); c.2178G>A, p.Leu726= (NM_001286613.2).
Identifiers: ClinVar variation 2872168 (VCV002872168.3), dbSNP rs779158006, ClinGen allele CA3953055.
Genomic context (GRCh38, chr6:109,447,179, plus strand): 5'-ACAGGTATGGCAGCGGAAGCAGCTCCGGTGGAAGAAATGGCCGTTGACACAGAGGCGTTC[C>T]AGGACATAGAGGTGTTCCCCACAAAGTGCACACAGGTCCCCAGCACCGGCCTGCGTGGAC-3'
Protein context (NP_073602.3, residues 697-717): CALCGEHLYV[Leu707=]ERLCVNGHFF